The following is an entry in ClinVar:

NM_001010909.5(MUC21):c.438G>A (p.Gly146=)

Gene: MUC21 (mucin 21, cell surface associated; plus strand). Cytogenetic location: 6p21.33.
Variant type: single nucleotide variant.
Coding change: c.438G>A on transcript NM_001010909.5 (MANE Select); coding-DNA position 438, G replaced by A.
Protein change: p.Gly146=; no amino-acid change (glycine 146 retained).
Molecular consequence: synonymous variant. On other transcripts: non-coding transcript variant (1).
Genome position (GRCh38, 1-based): chr6:30,986,613, G>A. VCF-style: chr6-30986613-G-A. GRCh37 (hg19) VCF-style: chr6-30954390-G-A.
Identifiers: ClinVar variation 3777833 (VCV003777833.7).

ClinVar aggregate classification (germline): Likely benign (1 of 4 stars; one submission).

Submission:

CeGaT Center for Human Genetics Tuebingen
Classification: Likely benign. Last evaluated: 2025-03-01. Review status: criteria provided, single submitter. Criteria: CeGaT Center For Human Genetics Tuebingen Variant Classification Criteria Version 2. Collection method: clinical testing. Allele origin: germline. Affected: yes. Observed: 1 variant allele.
Comment: MUC21: BP4, BP7